The following is an entry in ClinVar:

NM_001379500.1(COL18A1):c.1709A>G (p.Lys570Arg)

Gene: COL18A1 (collagen type XVIII alpha 1 chain; plus strand). Cytogenetic location: 21q22.3.
Variant type: single nucleotide variant.
Coding change: c.1709A>G on transcript NM_001379500.1 (MANE Select); coding-DNA position 1709, A replaced by G.
Protein change: p.Lys570Arg; replaces lysine 570 with arginine.
Molecular consequence: missense variant.
Genome position (GRCh38, 1-based): chr21:45,486,868, A>G. VCF-style: chr21-45486868-A-G. GRCh37 (hg19) VCF-style: chr21-46906782-A-G.
Other names: c.2249A>G, p.Lys750Arg (NM_030582.4); c.2954A>G, p.Lys985Arg (NM_130444.3); short protein forms K570R, K750R, K985R.
Identifiers: ClinVar variation 2131488 (VCV002131488.4), dbSNP rs1345532561, ClinGen allele CA410496164.

ClinVar aggregate classification (germline): Uncertain significance (1 of 4 stars; one submission).

Allele frequency attached by ClinVar (database versions not stated): TOPMed 0.00001.

Submission:

Labcorp Genetics (formerly Invitae), Labcorp
Classification: Uncertain significance. Last evaluated: 2022-04-28. Review status: criteria provided, single submitter. Criteria: Invitae Variant Classification Sherloc (09022015). Collection method: clinical testing. Allele origin: germline.
Comment: This variant is not present in population databases (gnomAD no frequency). This variant has not been reported in the literature in individuals affected with COL18A1-related conditions. Experimental studies and prediction algorithms are not available or were not evaluated, and the functional significance of this variant is currently unknown. In summary, the available evidence is currently insufficient to determine the role of this variant in disease. Therefore, it has been classified as a Variant of Uncertain Significance. This sequence change replaces lysine, which is basic and polar, with arginine, which is basic and polar, at codon 570 of the COL18A1 protein (p.Lys570Arg).